The following is an entry in ClinVar:

NM_000238.4(KCNH2):c.2445T>C (p.Pro815=)

Gene: KCNH2 (potassium voltage-gated channel subfamily H member 2; minus strand). Cytogenetic location: 7q36.1.
Variant type: single nucleotide variant.
Coding change: c.2445T>C on transcript NM_000238.4 (MANE Select); coding-DNA position 2445, T replaced by C.
Protein change: p.Pro815=; no amino-acid change (proline 815 retained).
Molecular consequence: synonymous variant.
Genome position (GRCh38, 1-based): chr7:150,949,003, A>G on the plus strand (T>C on the coding strand, the complement: KCNH2 is on the minus strand). VCF-style: chr7-150949003-A-G. GRCh37 (hg19) VCF-style: chr7-150646091-A-G.
Other names: c.1425T>C, p.Pro475= (NM_172057.3).
Identifiers: ClinVar variation 697071 (VCV000697071.17), dbSNP rs375147598, ClinGen allele CA032754.

ClinVar aggregate classification (germline): Likely benign. Review status: criteria provided, multiple submitters, no conflicts (2 of 4 stars). 6 submissions from 6 submitters: Likely benign (6). Last evaluated 2026-01-25.

Conditions:
Cardiovascular phenotype. Identifiers: MedGen CN230736.
Cardiac arrhythmia. Also called: Cardiac rhythm disease; Arrhythmia. Identifiers: MedGen C0003811, MONDO:0007263, HP:0011675.
Long QT syndrome (LQTS). Identifiers: MedGen C0023976, MeSH D008133, MONDO:0002442. Disease mechanism: loss of function. Inheritance: Various modes of inheritance.

Allele frequency attached by ClinVar (database versions not stated): TOPMed below 0.00001; ExAC 0.00001; gnomAD exomes 0.00001; ESP Exome Variant Server 0.00008.
gnomAD v4.1: 9 of 1,614,196 alleles (0.00056%); highest among the groups gnomAD compares: Middle Eastern, 0.016%; no homozygotes.

Submissions (6):

Labcorp Genetics (formerly Invitae), Labcorp
Classification: Likely benign for Long QT syndrome. Last evaluated: 2026-01-25. Review status: criteria provided, single submitter. Criteria: Invitae Variant Classification Sherloc (09022015). Collection method: clinical testing. Allele origin: germline.

All of Us Research Program, National Institutes of Health
Classification: Likely benign for Long QT syndrome. Last evaluated: 2023-12-13. Review status: criteria provided, single submitter. Criteria: ACMG Guidelines, 2015. Collection method: clinical testing. Allele origin: germline. Inheritance: Autosomal dominant inheritance. Observed: 3 variant alleles, 3 heterozygotes.
Comment: This study involves interpretation of variants in research participants for the purpose of population health screening. Participant phenotype was not available at the time of variant classification. Additional details can be found in publication PMID: 35346344, PMCID: PMC8962531

Blueprint Genetics
Classification: Likely benign. Last evaluated: 2022-12-16. Review status: criteria provided, single submitter. Criteria: ACMG Guidelines, 2015. Collection method: clinical testing. Allele origin: germline.

Ambry Genetics
Classification: Likely benign for Cardiovascular phenotype. Last evaluated: 2022-10-02. Review status: criteria provided, single submitter. Criteria: Ambry Variant Classification Scheme 2023. Collection method: clinical testing. Allele origin: germline.

Color Diagnostics, LLC DBA Color Health
Classification: Likely benign for Cardiac arrhythmia. Last evaluated: 2020-10-19. Review status: criteria provided, single submitter. Criteria: ACMG Guidelines, 2015. Collection method: clinical testing. Allele origin: germline.

Breakthrough Genomics
Classification: Likely benign. Review status: criteria provided, single submitter. Criteria: ACMG Guidelines, 2015. Collection method: not provided. Allele origin: germline. Inheritance: Autosomal dominant inheritance. Affected: yes.